The following is an entry in ClinVar:

ClinVar aggregate classification (germline): Uncertain significance (1 of 4 stars; one submission).

Conditions:
Malignant hyperthermia, susceptibility to, 1 (MHS1). Also called: Anesthesia related hyperthermia; Malignant hyperpyrexia; Fulminating hyperpyrexia; Pharmacogenic myopathy; RYR1-Related Malignant Hyperthermia Susceptibility; Malignant hyperthermia suceptibility 1. Identifiers: Orphanet 423, MedGen C2930980, MONDO:0007783, OMIM 145600.

gnomAD v4.1: 1 of 1,596,396 alleles (0.000063%); highest among the groups gnomAD compares: East Asian, 0.0023%; no homozygotes.

Submission:

All of Us Research Program, National Institutes of Health
Classification: Uncertain significance for Malignant hyperthermia, susceptibility to, 1. Last evaluated: 2023-06-26. Review status: criteria provided, single submitter. Criteria: ACMG Guidelines, 2015. Collection method: clinical testing. Allele origin: germline. Inheritance: Autosomal dominant inheritance. Observed: 1 variant allele, 1 heterozygote.
Comment: This missense variant replaces aspartic acid with tyrosine at codon 2605 of the RYR1 protein. Computational prediction suggests that this variant may have deleterious impact on protein structure and function (internally defined REVEL score threshold >= 0.7, PMID: 27666373). To our knowledge, functional studies have not been reported for this variant. This variant has not been reported in individuals affected with RYR1-related disorders in the literature. This variant has not been identified in the general population by the Genome Aggregation Database (gnomAD). The available evidence is insufficient to determine the role of this variant in disease conclusively. Therefore, this variant is classified as a Variant of Uncertain Significance.

This study involves interpretation of variants in research participants for the purpose of population health screening. Participant phenotype was not available at the time of variant classification. Additional details can be found in publication PMID: 35346344, PMCID: PMC8962531

NM_000540.3(RYR1):c.7813G>T (p.Asp2605Tyr)

Gene: RYR1 (ryanodine receptor 1; plus strand). Cytogenetic location: 19q13.2.
Variant type: single nucleotide variant.
Coding change: c.7813G>T on transcript NM_000540.3 (MANE Select); coding-DNA position 7813, G replaced by T.
Protein change: p.Asp2605Tyr; replaces aspartic acid 2605 with tyrosine.
Molecular consequence: missense variant.
Genome position (GRCh38, 1-based): chr19:38,502,705, G>T. VCF-style: chr19-38502705-G-T. GRCh37 (hg19) VCF-style: chr19-38993345-G-T.
Other names: c.7813G>T, p.Asp2605Tyr (NM_001042723.2); short protein forms D2605Y.
Identifiers: ClinVar variation 3071889 (VCV003071889.1), dbSNP rs754339645, ClinGen allele CA405672944.